The following is an entry in ClinVar:

ClinVar aggregate classification (germline): Uncertain significance. Review status: criteria provided, multiple submitters, no conflicts (2 of 4 stars). 2 submissions from 2 submitters: Uncertain significance (2). Last evaluated 2026-03-03.

Conditions:
VPS13B-related disorder. Also called: VPS13B-related condition.
Cohen syndrome (COH1). Also called: Cutis verticis gyrata, retinitis pigmentosa, and sensorineural deafness; PEPPER SYNDROME. Identifiers: Orphanet 193, MedGen C0265223, MONDO:0008999, OMIM 216550.

Submissions (2):

PreventionGenetics, part of Exact Sciences
Classification: Uncertain significance for VPS13B-related condition. Last evaluated: 2026-03-03. Review status: criteria provided, single submitter. Criteria: ACMG Guidelines, 2015. Collection method: clinical testing. Allele origin: germline.
Comment: The VPS13B c.8593C>G variant is predicted to result in the amino acid substitution p.Leu2865Val. To our knowledge, this variant has not been reported in the literature or in a large population database (gnomAD), indicating this variant is rare. At this time, the clinical significance of this variant is uncertain due to the absence of conclusive functional and genetic evidence.

Labcorp Genetics (formerly Invitae), Labcorp
Classification: Uncertain significance for Cohen syndrome. Last evaluated: 2022-07-17. Review status: criteria provided, single submitter. Criteria: Invitae Variant Classification Sherloc (09022015). Collection method: clinical testing. Allele origin: germline.
Comment: This sequence change replaces leucine, which is neutral and non-polar, with valine, which is neutral and non-polar, at codon 2890 of the VPS13B protein (p.Leu2890Val). This variant is not present in population databases (gnomAD no frequency). This variant has not been reported in the literature in individuals affected with VPS13B-related conditions. ClinVar contains an entry for this variant (Variation ID: 941370). Algorithms developed to predict the effect of missense changes on protein structure and function are either unavailable or do not agree on the potential impact of this missense change (SIFT: "Not Available"; PolyPhen-2: "Benign"; Align-GVGD: "Not Available"). In summary, the available evidence is currently insufficient to determine the role of this variant in disease. Therefore, it has been classified as a Variant of Uncertain Significance.

NM_152564.5(VPS13B):c.8593C>G (p.Leu2865Val)

Gene: VPS13B (vacuolar protein sorting 13 homolog B; plus strand). Cytogenetic location: 8q22.2.
Variant type: single nucleotide variant.
Coding change: c.8593C>G on transcript NM_152564.5 (MANE Select); coding-DNA position 8593, C replaced by G.
Protein change: p.Leu2865Val; replaces leucine 2865 with valine.
Molecular consequence: missense variant.
Genome position (GRCh38, 1-based): chr8:99,818,860, C>G. VCF-style: chr8-99818860-C-G. GRCh37 (hg19) VCF-style: chr8-100831088-C-G.
Other names: c.8668C>G, p.Leu2890Val (NM_017890.5); c.8593C>G (NM_152564.4); short protein forms L2865V, L2890V.
Identifiers: ClinVar variation 941370 (VCV000941370.8), dbSNP rs1814199572, ClinGen allele CA371775082.
Genomic context (GRCh38, chr8:99,818,860, plus strand): 5'-GAAACACAAATTATTCCAGGAAAAGGGCAGGAAAAACCACTGCAAAACATAGAACCTGAC[C>G]TTGTACATCACCTGACATTCCAAGCAAGGTACTAGAAAAATCCTTCCATACATTTTACAT-3'
Protein context (NP_689777.3, residues 2855-2875): EKPLQNIEPD[Leu2865Val]VHHLTFQARE